The following is an entry in ClinVar:

ClinVar aggregate classification (germline): Uncertain significance. Review status: criteria provided, multiple submitters, no conflicts (2 of 4 stars). 4 submissions from 3 submitters: Uncertain significance (4). Last evaluated 2025-11-09.

Conditions:
Hereditary cancer-predisposing syndrome. Also called: Hereditary Cancer Syndrome; Neoplastic Syndromes, Hereditary; Tumor predisposition; Hereditary neoplastic syndrome. Identifiers: Orphanet 140162, MedGen C0027672, MeSH D009386, MONDO:0015356.
Cardiovascular phenotype. Identifiers: MedGen CN230736.
Neurofibromatosis, type 1 (NF1). Also called: NEUROFIBROMATOSIS, TYPE I, SOMATIC; VON RECKLINGHAUSEN DISEASE; Peripheral type neurofibromatosis; Neurofibromatosis, type I. Identifiers: Orphanet 636, MedGen C0027831, MONDO:0018975, OMIM 162200. Disease mechanism: loss of function.

Submissions (4):

Labcorp Genetics (formerly Invitae), Labcorp
Classification: Uncertain significance for Neurofibromatosis, type 1. Last evaluated: 2025-11-09. Review status: criteria provided, single submitter. Criteria: Invitae Variant Classification Sherloc (09022015). Collection method: clinical testing. Allele origin: germline.
Comment: This sequence change replaces threonine, which is neutral and polar, with isoleucine, which is neutral and non-polar, at codon 2646 of the NF1 protein (p.Thr2646Ile). This variant is not present in population databases (gnomAD no frequency). This variant has not been reported in the literature in individuals affected with NF1-related conditions. ClinVar contains an entry for this variant (Variation ID: 187357). Invitae Evidence Modeling of protein sequence and biophysical properties (such as structural, functional, and spatial information, amino acid conservation, physicochemical variation, residue mobility, and thermodynamic stability) indicates that this missense variant is expected to disrupt NF1 protein function with a positive predictive value of 95%. In summary, the available evidence is currently insufficient to determine the role of this variant in disease. Therefore, it has been classified as a Variant of Uncertain Significance.

Ambry Genetics
Classification: Uncertain significance for Cardiovascular phenotype; Hereditary cancer-predisposing syndrome. Last evaluated: 2023-02-15. Review status: criteria provided, single submitter. Criteria: Ambry General Variant Classification Scheme_2022. Collection method: clinical testing. Allele origin: germline.
Comment: The p.T2646I variant (also known as c.7937C>T), located in coding exon 54 of the NF1 gene, results from a C to T substitution at nucleotide position 7937. The threonine at codon 2646 is replaced by isoleucine, an amino acid with similar properties. This amino acid position is highly conserved in available vertebrate species. In addition, the in silico prediction for this alteration is inconclusive. Since supporting evidence is limited at this time, the clinical significance of this alteration remains unclear.

Genome-Nilou Lab
Classification: Uncertain significance for Neurofibromatosis, type 1. Last evaluated: 2022-03-15. Review status: criteria provided, single submitter. Criteria: ACMG Guidelines, 2015. Collection method: clinical testing. Allele origin: germline. Affected: no.

Ambry Genetics
Classification: Uncertain significance for Hereditary cancer-predisposing syndrome. Last evaluated: 2014-12-23. Review status: criteria provided, single submitter. Criteria: Ambry Autosomal Dominant and X-Linked criteria (10/2015). Collection method: clinical testing. Allele origin: germline. Observed: 1 variant allele.
Comment: The p.T2667I variant (also known as c.8000C>T), located in coding exon 55 of the NF1 gene, results from a C to T substitution at nucleotide position 8000. The threonine at codon 2667 is replaced by isoleucine, an amino acid with similar properties. This variant was not reported in population based cohorts in the following databases: Database of Single Nucleotide Polymorphisms (dbSNP), NHLBI Exome Sequencing Project (ESP), and 1000 Genomes Project. In the ESP, this variant was not observed in 6503 samples (13006 alleles) with coverage at this position. To date, this alteration has been detected with an allele frequency of approximately 0.003% (greater than 30,000 alleles tested) in our clinical cohort.This amino acid position is highly conserved in available vertebrate species. In addition, the in silico prediction for this alteration is inconclusive.Since supporting evidence for this variant is conflicting at this time, the clinical significance of p.T2667I remains unclear.

NM_001042492.3(NF1):c.8000C>T (p.Thr2667Ile)

Gene: NF1 (neurofibromin 1; plus strand). Cytogenetic location: 17q11.2.
Variant type: single nucleotide variant.
Coding change: c.8000C>T on transcript NM_001042492.3 (MANE Select); coding-DNA position 8000, C replaced by T.
Protein change: p.Thr2667Ile; replaces threonine 2667 with isoleucine.
Molecular consequence: missense variant.
Genome position (GRCh38, 1-based): chr17:31,358,509, C>T. VCF-style: chr17-31358509-C-T. GRCh37 (hg19) VCF-style: chr17-29685527-C-T.
Other names: c.7937C>T, p.Thr2646Ile (NM_000267.4); short protein forms T2646I, T2667I.
Identifiers: ClinVar variation 187357 (VCV000187357.10), dbSNP rs786203669, ClinGen allele CA197445.